The following is an entry in ClinVar:

ClinVar aggregate classification (germline): Likely benign (1 of 4 stars; one submission).

Conditions:
Noonan syndrome 6 (NS6). Also called: NRAS-Related Noonan Syndrome. Identifiers: Orphanet 648, MedGen C2750732, MONDO:0013186, OMIM 613224.

Allele frequency attached by ClinVar (database versions not stated): TOPMed 0.00012; gnomAD 0.00021 and 0.00022; 1000 Genomes Project 30x 0.00031; 1000 Genomes Project 0.00040.

Submission:

Illumina Laboratory Services, Illumina
Classification: Likely benign for Noonan syndrome 6. Last evaluated: 2018-01-13. Review status: criteria provided, single submitter. Criteria: ICSL Variant Classification Criteria 13 December 2019. Collection method: clinical testing. Allele origin: germline.
Comment: This variant was observed in the ICSL laboratory as part of a predisposition screen in an ostensibly healthy population. It had not been previously curated by ICSL or reported in the Human Gene Mutation Database (HGMD: prior to June 1st, 2018), and was therefore a candidate for classification through an automated scoring system. Utilizing variant allele frequency, disease prevalence and penetrance estimates, and inheritance mode, an automated score was calculated to assess if this variant is too frequent to cause the disease. Based on the score and internal cut-off values, a variant classified as likely benign is not then subjected to further curation. The score for this variant resulted in a classification of likely benign for this disease.

NM_002524.5(NRAS):c.*583T>G

Gene: NRAS (NRAS proto-oncogene, GTPase; minus strand). Cytogenetic location: 1p13.2.
Variant type: single nucleotide variant.
Coding change: c.*583T>G on transcript NM_002524.5 (MANE Select); 583 bases downstream of the stop codon, T replaced by G.
Molecular consequence: 3 prime UTR variant.
Genome position (GRCh38, 1-based): chr1:114,707,511, A>C on the plus strand (T>G on the coding strand, the complement: NRAS is on the minus strand). VCF-style: chr1-114707511-A-C. GRCh37 (hg19) VCF-style: chr1-115250132-A-C.
Identifiers: ClinVar variation 291970 (VCV000291970.5), dbSNP rs555171083, ClinGen allele CA10607488.
Genomic context (GRCh38, chr1:114,707,511, plus strand): 5'-GCACTTCACTGTGAAAGTTGGATTTAATTACGTCAAAGTTGTGAAGACTAGGATAGACTC[A>C]AAATTCAGTATTCATTTTTGTATTTATGAATCTAGAGCAGATGCCAGTTTAGAGAATAGA-3'